The following is an entry in ClinVar:

NM_002578.5(PAK3):c.1186G>A (p.Gly396Arg)

Gene: PAK3 (p21 (RAC1) activated kinase 3; plus strand). Cytogenetic location: Xq23.
Variant type: single nucleotide variant.
Coding change: c.1186G>A on transcript NM_002578.5 (MANE Select); coding-DNA position 1186, G replaced by A.
Protein change: p.Gly396Arg; replaces glycine 396 with arginine.
Molecular consequence: missense variant. On other transcripts: non-coding transcript variant (2).
Genome position (GRCh38, 1-based): chrX:111,195,917, G>A. VCF-style: chrX-111195917-G-A. GRCh37 (hg19) VCF-style: chrX-110439145-G-A.
Other names: c.1186G>A, p.Gly396Arg (NM_001128166.3, NM_001128167.3, NM_001324325.2 and 5 more transcripts); c.1294G>A, p.Gly432Arg (NM_001128168.3); c.1249G>A, p.Gly417Arg (NM_001128172.2); c.1231G>A, p.Gly411Arg (NM_001128173.3, NM_001324327.2, NM_001324328.2 and 2 more transcripts); short protein forms G396R, G411R, G417R, G432R.
Identifiers: ClinVar variation 3347443 (VCV003347443.1).

ClinVar aggregate classification (germline): Uncertain significance (0 of 4 stars; one submission).

Conditions:
PAK3-related disorder. Also called: PAK3-related condition.

gnomAD v4.1: 1 of 1,140,777 alleles (0.000088%); highest among the groups gnomAD compares: Non-Finnish European, 0.00012%; no homozygotes.

Submission:

PreventionGenetics, part of Exact Sciences
Classification: Uncertain significance for PAK3-related condition. Last evaluated: 2024-05-08. Review status: no assertion criteria provided. Collection method: clinical testing. Allele origin: germline.
Comment: The PAK3 c.1186G>A variant is predicted to result in the amino acid substitution p.Gly396Arg. To our knowledge, this variant has not been reported in the literature or in a large population database, indicating this variant is rare. At this time, the clinical significance of this variant is uncertain due to the absence of conclusive functional and genetic evidence.